The following is an entry in ClinVar:

NM_000518.5(HBB):c.61G>A (p.Val21Met)

Genes: HBB (hemoglobin subunit beta; minus strand), LOC106099062 (HBB recombination region; plus strand), LOC107133510 (origin of replication at HBB; plus strand). Cytogenetic location: 11p15.4.
Variant type: single nucleotide variant.
Coding change: c.61G>A on transcript NM_000518.5 (MANE Select); coding-DNA position 61, G replaced by A.
Protein change: p.Val21Met; replaces valine 21 with methionine.
Molecular consequence: missense variant.
Genome position (GRCh38, 1-based): chr11:5,226,961, C>T on the plus strand (G>A on the coding strand, the complement: HBB is on the minus strand). VCF-style: chr11-5226961-C-T. GRCh37 (hg19) VCF-style: chr11-5248191-C-T.
Other names: V20M; short protein forms V21M.
Identifiers: ClinVar variation 15300 (VCV000015300.18), dbSNP rs35890959, ClinGen allele CA125086.
Genomic context (GRCh38, chr11:5,226,961, plus strand): 5'-TAAACCTGTCTTGTAACCTTGATACCAACCTGCCCAGGGCCTCACCACCAACTTCATCCA[C>T]GTTCACCTTGCCCCACAGGGCAGTAACGGCAGACTTCTCCTCAGGAGTCAGATGCACCAT-3'
Protein context (NP_000509.1, residues 11-31): AVTALWGKVN[Val21Met]DEVGGEALGR

ClinVar aggregate classification (germline): Pathogenic/Likely pathogenic. Review status: criteria provided, multiple submitters, no conflicts (2 of 4 stars). 10 submissions from 9 submitters: Pathogenic (6); Likely pathogenic (2). 2 of the submissions do not count toward it. Last evaluated 2025-08-20.

Conditions:
Erythrocytosis, familial, 6. Also called: POLYCYTHEMIA, BETA-GLOBIN TYPE; ERYTHROCYTOSIS, BETA-GLOBIN TYPE. Identifiers: MedGen C4693822, MONDO:0054801, OMIM 617980.
Hb SS disease (SCD). Also called: Hemoglobin SS; Sickle cell anemia; Sickle cell disease; HbS disease; Hemoglobin S Disease; Sickling disorder due to hemoglobin S. Identifiers: Orphanet 232, Orphanet 275752, MedGen C0002895, MONDO:0011382, OMIM 603903.
Heinz body anemia. Also called: Heinz body hemolytic anemia. Identifiers: Orphanet 178330, MedGen C0700299, MONDO:0007705, OMIM 140700, HP:0005511.
Dominant beta-thalassemia. Also called: Beta-thalassemia, dominant inclusion body type. Identifiers: Orphanet 231226, Orphanet 848, MedGen C1858990, MONDO:0011381, OMIM 603902.
Beta-thalassemia HBB/LCRB. Identifiers: MedGen CN322236, MONDO:0013517, OMIM 613985.
METHEMOGLOBINEMIA, BETA TYPE. Also called: Methemoglobinemia, beta-globin type. Identifiers: MedGen C1840779, OMIM 617971.
Malaria, susceptibility to. Identifiers: Orphanet 673, MedGen C1970028, MONDO:0021024, OMIM 611162.
Hereditary persistence of fetal hemoglobin. Identifiers: MedGen C0019025, MONDO:0020989, OMIM 141749.
Erythrocyte disorder. Also called: Erythrocyte disease. Identifiers: MedGen C0221016, MONDO:0044347.
Inborn genetic diseases. Identifiers: MedGen C0950123, MeSH D030342.
HBB-related disorder. Also called: HBB-related disorders; HBB-related condition. Identifiers: MedGen CN239378.
Hemoglobinopathy. Also called: Haemoglobinopathies; Hemoglobin disorder. Identifiers: MedGen C0019045, MONDO:0044348.
HEMOGLOBIN OLYMPIA.

Allele frequency attached by ClinVar (database versions not stated): gnomAD exomes below 0.00001; TOPMed 0.00002; gnomAD 0.00001.

Submissions (10):

Ambry Genetics
Classification: Pathogenic for Inborn genetic diseases. Last evaluated: 2025-08-20. Review status: criteria provided, single submitter. Criteria: Ambry Variant Classification Scheme 2023. Collection method: clinical testing. Allele origin: germline.
Comment: The c.61G>A (p.V21M) alteration is located in exon 1 (coding exon 1) of the HBB gene. This alteration results from a G to A substitution at nucleotide position 61, causing the valine (V) at amino acid position 21 to be replaced by a methionine (M). Based on the available evidence, the HBB c.61G>A (p.V21M) alteration is classified as pathogenic for autosomal dominant HBB-related erythrocytosis. Based on data from gnomAD, this allele has an overall frequency of <0.001% (1/251260) total alleles studied. The highest observed frequency was 0.003% (1/34580) of Latino alleles. This variant was reported in individuals with features consistent with autosomal dominant HBB-related erythrocytosis and segregated with disease in at least one family (Stamatoyannopoulos, 1973; Berlin, 1989; Percy, 2009; Bento, 2013; Filser, 2022; Thaker, 2024; Wajcman, 1996; Nute, 1978; external communication). Note, this variant is also referred to as Hemoglobin (Hb) Olympia in the literature. This amino acid position is not well conserved in available vertebrate species. This alteration is predicted to be deleterious by in silico analysis. Based on the available evidence, this alteration is classified as pathogenic.

PreventionGenetics, part of Exact Sciences
Classification: Likely pathogenic for HBB-related condition. Last evaluated: 2024-12-26. Review status: criteria provided, single submitter. Criteria: ACMG Guidelines, 2015. Collection method: clinical testing. Allele origin: germline.
Comment: The HBB c.61G>A variant is predicted to result in the amino acid substitution p.Val21Met. This variant, also referred to as Hb Olympia, has been reported in multiple individuals with erythrocytosis (see for examples, Stamatoyannopoulos et al. 1973. PubMed ID: 4683875; Bento et al. 2013. PubMed ID: 23859443; Filser et al. 2022. PubMed ID: 35052472). This variant is reported in 0.0029% of alleles in individuals of Latino descent in gnomAD. Alternate missense substitutions affecting the same amino acid (p.Val21Glu, p.Val21Gly, and p.Val21Ala) have been reported in multiple individuals with mild to moderate erythrocytosis (Landin et al. 1994. PubMed ID: 7914875, Wajcman et al. 1996. PubMed ID: 8936460; Henderson et al. 2016. PubMed ID: 26635043). The c.61G>A (p.Val21Met) variant is interpreted as likely pathogenic.

Women's Health and Genetics/Laboratory Corporation of America, LabCorp
Classification: Pathogenic for Hemoglobinopathy. Last evaluated: 2024-10-21. Review status: criteria provided, single submitter. Criteria: LabCorp Variant Classification Summary - May 2015. Collection method: clinical testing. Allele origin: germline.
Comment: Variant summary: HBB c.61G>A (p.Val21Met) also known as Hb Olympia results in a conservative amino acid change located in the Globin (IPR000971) of the encoded protein sequence. Four of five in-silico tools predict a benign effect of the variant on protein function. The variant allele was found at a frequency of 4e-06 in 251260 control chromosomes. c.61G>A has been reported in the literature in multiple individuals affected with Erythrocytosis consistent with autosomal dominant inheritance (e.g. Filser_2022, Gonzalez Fernandez_2009, Percy_2009, Stamatoyannopoulos_1973) and shown to segregate with disease. These data indicate that the variant is very likely to be associated with disease. To our knowledge, no experimental evidence demonstrating an impact on protein function has been reported. The following publications have been ascertained in the context of this evaluation (PMID: 35052472, 18818920, 19734427, 4683875). ClinVar contains an entry for this variant (Variation ID: 15300). Based on the evidence outlined above, the variant was classified as pathogenic.

Fulgent Genetics
Classification: Pathogenic for Heinz body anemia; Hereditary persistence of fetal hemoglobin; Dominant beta-thalassemia; Hb SS disease; Malaria, susceptibility to; Beta-thalassemia HBB/LCRB; METHEMOGLOBINEMIA, BETA TYPE; Erythrocytosis, familial, 6. Last evaluated: 2024-06-15. Review status: criteria provided, single submitter. Criteria: ACMG Guidelines, 2015. Collection method: clinical testing. Allele origin: germline.

GeneDx
Classification: Likely pathogenic. Last evaluated: 2023-12-01. Review status: criteria provided, single submitter. Criteria: GeneDx Variant Classification Process June 2021. Collection method: clinical testing. Allele origin: germline. Affected: yes.
Comment: Not observed at significant frequency in large population cohorts (gnomAD); In silico analysis supports that this missense variant does not alter protein structure/function; This variant is associated with the following publications: (PMID: 18818920, 2599884, 4683875, 6745619, 19429541, 23859443, 31553106, 35052472, 8891722, 20642336, 6863429, 15921161)

AURAGEN, Plan France Médecine Génomique
Classification: Pathogenic for Erythrocyte disorder. Last evaluated: 2021-10-15. Review status: criteria provided, single submitter. Criteria: PFMG2025 (Lancet Reg Health Eur. 2025). Collection method: clinical testing. Allele origin: germline. Affected: yes.

ARUP Laboratories, Molecular Genetics and Genomics, ARUP Laboratories
Classification: Pathogenic. Last evaluated: 2020-03-04. Review status: criteria provided, single submitter. Criteria: ARUP Molecular Germline Variant Investigation Process. Collection method: clinical testing. Allele origin: germline.
Comment: The Hb Olympia variant (HBB: c.61G>A; p.Val21Met, also known as Val20Met when numbered from the mature protein, rs35890959) is reported in the literature in multiple individuals affected with erythrocytosis (Bento 2013, Gonzalez Fernandez 2009, Percy 2009, Stamatoyannopoulos 1973, Wajcman 2005, HbVar database and references therein). This variant has been observed to segregate with erythrocytosis in a family in a pattern consistent with autosomal dominant inheritance (Stamatoyannopoulos 1973). Further, while heterozygous individuals with this variant are reported with mild erythrocytosis, those carrying both Hb Olympia and a beta-thalassemia allele are reported to exhibit more severe symptoms (Wajcman 2005). The Hb Olympia variant is found on a single chromosome in the Genome Aggregation Database (1/251260 alleles), indicating it is not a common polymorphism. The valine at codon 21 is highly conserved, and functional studies indicate increased oxygen affinity of the variant protein (Stamatoyannopoulos 1973). Based on available information, this variant is considered to be pathogenic. References: HbVar link to Hb Olympia: Bento C et al. Molecular study of congenital erythrocytosis in 70 unrelated patients revealed a potential causal mutation in less than half of the cases (Where is/are the missing gene(s)?). Eur J Haematol. 2013 Oct;91(4):361-8. Gonzalez Fernandez FA et al. Haemoglobinopathies with high oxygen affinity. Experience of Erythropathology Cooperative Spanish Group. Ann Hematol. 2009 Mar;88(3):235-8. Percy MJ et al. Identification of high oxygen affinity hemoglobin variants in the investigation of patients with erythrocytosis. Haematologica. 2009 Sep;94(9):1321-2. Stamatoyannopoulos G et al. Hemoglobin olympia ( 20 valine leads to methionine): an electrophoretically silent variant associated with high oxygen affinity and erythrocytosis. J Clin Invest. 1973 Feb;52(2):342-9. Wajcman H and Galacteros F. Hemoglobins with high oxygen affinity leading to erythrocytosis. New variants and new concepts. Hemoglobin. 2005;29(2):91-106.

Quest Diagnostics Nichols Institute San Juan Capistrano
Classification: Pathogenic. Last evaluated: 2018-06-22. Review status: criteria provided, single submitter. Criteria: Quest Diagnostics criteria. Collection method: clinical testing. Allele origin: unknown.
Comment: The HBB c.61G>A (p.Val21Met) variant, also known as Hb Olympia has been reported in individuals presenting with erythrocytosis (PMIDs: 35052427 (2022), 23859443 (2013), and 2599884 (1989)). In addition, this variant has been reported to have increased oxygen affinity and is mildly unstable (PMIDs: 31553106 (2020) and 2599884 (1989)). Based on the available information, this variant is classified as pathogenic.

OMIM
Classification: other for HEMOGLOBIN OLYMPIA. Last evaluated: 2017-12-12. Review status: no assertion criteria provided. Collection method: literature only. Allele origin: germline. Not counted in ClinVar's aggregate classification.

OMIM
Classification: Pathogenic for ERYTHROCYTOSIS 6. Last evaluated: 1987-11-01. Review status: no assertion criteria provided. Collection method: literature only. Allele origin: germline. Not counted in ClinVar's aggregate classification.

Literature cited by the submitters: PubMed 701085 (cited by Ambry Genetics); PubMed 2599884 (cited by Ambry Genetics and Quest Diagnostics Nichols Institute San Juan Capistrano); PubMed 4683875 (cited by 3 submitters); PubMed 6745619 (cited by Ambry Genetics and OMIM); PubMed 8891722 (cited by Ambry Genetics); PubMed 19734427 (cited by Ambry Genetics and Women's Health and Genetics/Laboratory Corporation of America, LabCorp); PubMed 20642336 (cited by Ambry Genetics and Quest Diagnostics Nichols Institute San Juan Capistrano); PubMed 23859443 (cited by Ambry Genetics and Quest Diagnostics Nichols Institute San Juan Capistrano); PubMed 35052472 (cited by 3 submitters); PubMed 38504512 (cited by Ambry Genetics); PubMed 18818920 (cited by Women's Health and Genetics/Laboratory Corporation of America, LabCorp and Quest Diagnostics Nichols Institute San Juan Capistrano); PubMed 31553106 (cited by Quest Diagnostics Nichols Institute San Juan Capistrano); PubMed 19429541 (cited by Quest Diagnostics Nichols Institute San Juan Capistrano); PubMed 3691763 (cited by OMIM).